The following is an entry in ClinVar:

ClinVar aggregate classification (germline): Benign/Likely benign. Review status: criteria provided, multiple submitters, no conflicts (2 of 4 stars). 9 submissions from 9 submitters: Benign (7); Likely benign (2). Last evaluated 2026-01-31.

Conditions:
Congenital contractural arachnodactyly (CCA). Also called: BEALS SYNDROME; Arthrogryposis, distal, type 9; Beals-Hecht syndrome. Identifiers: Orphanet 115, MedGen C0220668, MONDO:0007363, OMIM 121050.
Familial thoracic aortic aneurysm and aortic dissection (TAAD). Also called: Thoracic aortic aneurysms and dissections. Identifiers: Orphanet 91387, MedGen C4707243, MONDO:0019625.

Allele frequency attached by ClinVar (database versions not stated): gnomAD exomes 0.00044 and 0.00134; ExAC 0.00160; gnomAD 0.00500 and 0.00534; TOPMed 0.00541; ESP Exome Variant Server 0.00569; 1000 Genomes Project 0.00719; 1000 Genomes Project 30x 0.00750.
gnomAD v4.1: 1,416 of 1,614,158 alleles (0.088%); highest among the groups gnomAD compares: African/African-American, 1.7%; 10 homozygotes.

Submissions (9):

Labcorp Genetics (formerly Invitae), Labcorp
Classification: Benign for Congenital contractural arachnodactyly. Last evaluated: 2026-01-31. Review status: criteria provided, single submitter. Criteria: Invitae Variant Classification Sherloc (09022015). Collection method: clinical testing. Allele origin: germline.

Mayo Clinic Laboratories, Mayo Clinic
Classification: Benign. Last evaluated: 2025-02-21. Review status: criteria provided, single submitter. Criteria: ACMG Guidelines, 2015. Collection method: clinical testing. Allele origin: germline. Observed: 3 variant alleles.
Comment: BA1, BS2, BP4

Blueprint Genetics
Classification: Likely benign. Last evaluated: 2024-11-14. Review status: criteria provided, single submitter. Criteria: ACMG Guidelines, 2015. Collection method: clinical testing. Allele origin: germline.

Women's Health and Genetics/Laboratory Corporation of America, LabCorp
Classification: Likely benign. Last evaluated: 2023-07-21. Review status: criteria provided, single submitter. Criteria: LabCorp Variant Classification Summary - May 2015. Collection method: clinical testing. Allele origin: germline.

ARUP Laboratories, Molecular Genetics and Genomics, ARUP Laboratories
Classification: Benign. Last evaluated: 2021-07-30. Review status: criteria provided, single submitter. Criteria: ARUP Molecular Germline Variant Investigation Process 2021. Collection method: clinical testing. Allele origin: germline.

Illumina Laboratory Services, Illumina
Classification: Benign for Congenital contractural arachnodactyly. Last evaluated: 2018-01-13. Review status: criteria provided, single submitter. Criteria: ICSL Variant Classification Criteria 13 December 2019. Collection method: clinical testing. Allele origin: germline.
Comment: This variant was observed in the ICSL laboratory as part of a predisposition screen in an ostensibly healthy population. It had not been previously curated by ICSL or reported in the Human Gene Mutation Database (HGMD: prior to June 1st, 2018), and was therefore a candidate for classification through an automated scoring system. Utilizing variant allele frequency, disease prevalence and penetrance estimates, and inheritance mode, an automated score was calculated to assess if this variant is too frequent to cause the disease. Based on the score and internal cut-off values, a variant classified as benign is not then subjected to further curation. The score for this variant resulted in a classification of benign for this disease.

Ambry Genetics
Classification: Benign for Familial thoracic aortic aneurysm and aortic dissection. Last evaluated: 2016-04-05. Review status: criteria provided, single submitter. Criteria: Ambry Variant Classification Scheme 2023. Collection method: clinical testing. Allele origin: germline.

GeneDx
Classification: Benign. Last evaluated: 2013-02-01. Review status: criteria provided, single submitter. Criteria: GeneDx Variant Classification (06012015). Collection method: clinical testing. Allele origin: germline. Affected: yes.
Comment: This variant is considered likely benign or benign based on one or more of the following criteria: it is a conservative change, it occurs at a poorly conserved position in the protein, it is predicted to be benign by multiple in silico algorithms, and/or has population frequency not consistent with disease.

PreventionGenetics, part of Exact Sciences
Classification: Benign. Review status: criteria provided, single submitter. Criteria: ACMG Guidelines, 2015. Collection method: clinical testing. Allele origin: germline.

NM_001999.4(FBN2):c.1285A>G (p.Ser429Gly)

Gene: FBN2 (fibrillin 2; minus strand). Cytogenetic location: 5q23.3.
Variant type: single nucleotide variant.
Coding change: c.1285A>G on transcript NM_001999.4 (MANE Select); coding-DNA position 1285, A replaced by G.
Protein change: p.Ser429Gly; replaces serine 429 with glycine.
Molecular consequence: missense variant.
Genome position (GRCh38, 1-based): chr5:128,393,315, T>C on the plus strand (A>G on the coding strand, the complement: FBN2 is on the minus strand). VCF-style: chr5-128393315-T-C. GRCh37 (hg19) VCF-style: chr5-127729008-T-C.
Other names: p.S429G:AGT>GGT; short protein forms S429G.
Identifiers: ClinVar variation 137317 (VCV000137317.30), dbSNP rs115242287, ClinGen allele CA290858.